The following is an entry in ClinVar:

NM_000057.4(BLM):c.2070G>C (p.Pro690=)

Gene: BLM (BLM RecQ like helicase; plus strand). Cytogenetic location: 15q26.1.
Variant type: single nucleotide variant.
Coding change: c.2070G>C on transcript NM_000057.4 (MANE Select); coding-DNA position 2070, G replaced by C.
Protein change: p.Pro690=; no amino-acid change (proline 690 retained).
Molecular consequence: synonymous variant.
Genome position (GRCh38, 1-based): chr15:90,763,153, G>C. VCF-style: chr15-90763153-G-C. GRCh37 (hg19) VCF-style: chr15-91306383-G-C.
Other names: c.2070G>C, p.Pro690= (NM_001287246.2, NM_001287247.2); c.945G>C, p.Pro315= (NM_001287248.2).
Identifiers: ClinVar variation 4085764 (VCV004085764.8).

ClinVar aggregate classification (germline): Likely benign (1 of 4 stars; one submission).

Submission:

CeGaT Center for Human Genetics Tuebingen
Classification: Likely benign. Last evaluated: 2025-08-01. Review status: criteria provided, single submitter. Criteria: CeGaT Center For Human Genetics Tuebingen Variant Classification Criteria Version 2. Collection method: clinical testing. Allele origin: germline. Affected: yes. Observed: 1 variant allele.
Comment: BLM: PM2:Supporting, BP4, BP7